The following is an entry in ClinVar:

ClinVar aggregate classification (germline): Uncertain significance. Review status: criteria provided, multiple submitters, no conflicts (2 of 4 stars). 2 submissions from 2 submitters: Uncertain significance (2). Last evaluated 2023-11-10.

Allele frequency attached by ClinVar (database versions not stated): gnomAD exomes below 0.00001.

Submissions (2):

GeneDx
Classification: Uncertain significance. Last evaluated: 2023-11-10. Review status: criteria provided, single submitter. Criteria: GeneDx Variant Classification Process June 2021. Collection method: clinical testing. Allele origin: germline. Affected: yes.
Comment: Has not been previously published as pathogenic or benign to our knowledge; Not observed at significant frequency in large population cohorts (gnomAD); In silico analysis supports that this missense variant has a deleterious effect on protein structure/function; Occurs in the triple helical domain at the Y position in the canonical Gly-X-Y repeat; although this variant may have an effect on normal protein folding and function, missense substitution at the Y position is not a common mechanism of disease (HGMD)

ARUP Laboratories, Molecular Genetics and Genomics, ARUP Laboratories
Classification: Uncertain significance. Last evaluated: 2022-12-01. Review status: criteria provided, single submitter. Criteria: ARUP Molecular Germline Variant Investigation Process 2024. Collection method: clinical testing. Allele origin: germline.
Comment: The COL1A2 c.602C>T; p.Pro201Leu variant (rs1791834579), is not reported in the medical literature or gene specific databases. This variant is also absent from the Genome Aggregation Database, indicating it is not a common polymorphism. The proline at codon 201 is moderately conserved, but computational analyses predict that this variant is deleterious (REVEL: 0.707). Due to limited information, the clinical significance of this variant is uncertain at this time.

NM_000089.4(COL1A2):c.602C>T (p.Pro201Leu)

Gene: COL1A2 (collagen type I alpha 2 chain; plus strand). Cytogenetic location: 7q21.3.
Variant type: single nucleotide variant.
Coding change: c.602C>T on transcript NM_000089.4 (MANE Select); coding-DNA position 602, C replaced by T.
Protein change: p.Pro201Leu; replaces proline 201 with leucine.
Molecular consequence: missense variant.
Genome position (GRCh38, 1-based): chr7:94,407,854, C>T. VCF-style: chr7-94407854-C-T. GRCh37 (hg19) VCF-style: chr7-94037166-C-T.
Other names: short protein forms P201L.
Identifiers: ClinVar variation 2920832 (VCV002920832.2), dbSNP rs1791834579, ClinGen allele CA368220139.